The following is an entry in ClinVar:

ClinVar aggregate classification (germline): Benign/Likely benign. Review status: criteria provided, multiple submitters, no conflicts (2 of 4 stars). 3 submissions from 3 submitters: Benign (1); Likely benign (2). Last evaluated 2025-03-28.

Conditions:
Hereditary cancer-predisposing syndrome. Also called: Hereditary Cancer Syndrome; Hereditary neoplastic syndrome; Neoplastic Syndromes, Hereditary; Tumor predisposition. Identifiers: Orphanet 140162, MedGen C0027672, MeSH D009386, MONDO:0015356.
Peutz-Jeghers syndrome (PJS). Also called: Peutz-Jeghers polyposis; Periorificial lentiginosis syndrome; POLYPOSIS, HAMARTOMATOUS INTESTINAL; POLYPS-AND-SPOTS SYNDROME. Identifiers: Orphanet 2869, MedGen C0031269, MeSH D010580, MONDO:0008280, OMIM 175200.

Submissions (3):

Myriad Genetics, Inc.
Classification: Benign for Peutz-Jeghers syndrome. Last evaluated: 2025-03-28. Review status: criteria provided, single submitter. Criteria: Myriad Autosomal Dominant, Autosomal Recessive and X-Linked Classification Criteria (2023). Collection method: clinical testing. Allele origin: unknown.
Comment: This variant is considered benign. This variant is a silent/synonymous amino acid change and it is not expected to impact splicing.

Labcorp Genetics (formerly Invitae), Labcorp
Classification: Likely benign for Peutz-Jeghers syndrome. Last evaluated: 2022-03-30. Review status: criteria provided, single submitter. Criteria: Invitae Variant Classification Sherloc (09022015). Collection method: clinical testing. Allele origin: germline.

Ambry Genetics
Classification: Likely benign for Hereditary cancer-predisposing syndrome. Last evaluated: 2020-01-14. Review status: criteria provided, single submitter. Criteria: Ambry Variant Classification Scheme 2023. Collection method: clinical testing. Allele origin: germline.

NM_000455.5(STK11):c.951A>G (p.Glu317=)

Gene: STK11 (serine/threonine kinase 11; plus strand). Cytogenetic location: 19p13.3.
Variant type: single nucleotide variant.
Coding change: c.951A>G on transcript NM_000455.5 (MANE Select); coding-DNA position 951, A replaced by G.
Protein change: p.Glu317=; no amino-acid change (glutamic acid 317 retained).
Molecular consequence: synonymous variant.
Genome position (GRCh38, 1-based): chr19:1,223,015, A>G. VCF-style: chr19-1223015-A-G. GRCh37 (hg19) VCF-style: chr19-1223014-A-G.
Identifiers: ClinVar variation 1153023 (VCV001153023.13), dbSNP rs2145430729, ClinGen allele CA504707732.